The following is an entry in ClinVar:

NM_003647.3(DGKE):c.995T>C (p.Val332Ala)

Gene: DGKE (diacylglycerol kinase epsilon; plus strand). Cytogenetic location: 17q22.
Variant type: single nucleotide variant.
Coding change: c.995T>C on transcript NM_003647.3 (MANE Select); coding-DNA position 995, T replaced by C.
Protein change: p.Val332Ala; replaces valine 332 with alanine.
Molecular consequence: missense variant.
Genome position (GRCh38, 1-based): chr17:56,848,802, T>C. VCF-style: chr17-56848802-T-C. GRCh37 (hg19) VCF-style: chr17-54926163-T-C.
Other names: short protein forms V332A.
Identifiers: ClinVar variation 1032143 (VCV001032143.5), dbSNP rs1907467218, ClinGen allele CA399927964.
Genomic context (GRCh38, chr17:56,848,802, plus strand): 5'-CAGGCAACGATCTATCCAATACATTGGGTTGGGGTACAGGTTATGCTGGAGAAATTCCAG[T>C]TGCGCAGGTTTTGCGAAATGTAATGGAAGCAGATGGAATTAAACTAGATCGGTAAGTTAC-3'
Protein context (NP_003638.1, residues 322-342): WGTGYAGEIP[Val332Ala]AQVLRNVMEA

ClinVar aggregate classification (germline): Uncertain significance. Review status: criteria provided, multiple submitters, no conflicts (2 of 4 stars). 3 submissions from 3 submitters: Uncertain significance (3). Last evaluated 2025-06-12.

Conditions:
Immunoglobulin-mediated membranoproliferative glomerulonephritis. Also called: NEPHROTIC SYNDROME, TYPE 7, WITH MEMBRANOPROLIFERATIVE GLOMERULONEPHRITIS; Nephrotic syndrome, type 7. Identifiers: Orphanet 329903, MedGen C3554330, MONDO:0014005, OMIM 615008.

Submissions (3):

Labcorp Genetics (formerly Invitae), Labcorp
Classification: Uncertain significance. Last evaluated: 2025-06-12. Review status: criteria provided, single submitter. Criteria: Invitae Variant Classification Sherloc (09022015). Collection method: clinical testing. Allele origin: germline.
Comment: This sequence change replaces valine, which is neutral and non-polar, with alanine, which is neutral and non-polar, at codon 332 of the DGKE protein (p.Val332Ala). This variant is not present in population databases (gnomAD no frequency). This variant has not been reported in the literature in individuals affected with DGKE-related conditions. ClinVar contains an entry for this variant (Variation ID: 1032143). Invitae Evidence Modeling of protein sequence and biophysical properties (such as structural, functional, and spatial information, amino acid conservation, physicochemical variation, residue mobility, and thermodynamic stability) indicates that this missense variant is not expected to disrupt DGKE protein function with a negative predictive value of 80%. In summary, the available evidence is currently insufficient to determine the role of this variant in disease. Therefore, it has been classified as a Variant of Uncertain Significance.

Fulgent Genetics
Classification: Uncertain significance for Immunoglobulin-mediated membranoproliferative glomerulonephritis. Last evaluated: 2022-03-14. Review status: criteria provided, single submitter. Criteria: ACMG Guidelines, 2015. Collection method: clinical testing. Allele origin: unknown.

Baylor Genetics
Classification: Uncertain significance for Immunoglobulin-mediated membranoproliferative glomerulonephritis. Last evaluated: 2018-02-14. Review status: criteria provided, single submitter. Criteria: ACMG Guidelines, 2015. Collection method: clinical testing. Allele origin: paternal. Affected: yes.
Comment: This variant was determined to be of uncertain significance according to ACMG Guidelines, 2015 [PMID:25741868].